The following is an entry in ClinVar:

NM_007194.4(CHEK2):c.769G>C (p.Ala257Pro)

Gene: CHEK2 (checkpoint kinase 2; minus strand). Cytogenetic location: 22q12.1.
Variant type: single nucleotide variant.
Coding change: c.769G>C on transcript NM_007194.4 (MANE Select); coding-DNA position 769, G replaced by C.
Protein change: p.Ala257Pro; replaces alanine 257 with proline.
Molecular consequence: missense variant.
Genome position (GRCh38, 1-based): chr22:28,711,932, C>G on the plus strand (G>C on the coding strand, the complement: CHEK2 is on the minus strand). VCF-style: chr22-28711932-C-G. GRCh37 (hg19) VCF-style: chr22-29107920-C-G.
Other names: c.898G>C, p.Ala300Pro (NM_001005735.3); c.106G>C, p.Ala36Pro (NM_001257387.3); c.568G>C, p.Ala190Pro (NM_001349956.3); c.769G>C, p.Ala257Pro (NM_145862.3); short protein forms A190P, A300P, A36P, A257P.
Identifiers: ClinVar variation 939755 (VCV000939755.10), dbSNP rs2053408556, ClinGen allele CA411103120.

ClinVar aggregate classification (germline): Uncertain significance (1 of 4 stars; one submission).

Conditions:
Familial cancer of breast. Also called: hereditary breast carcinoma; BREAST CANCER, FAMILIAL; Hereditary breast cancer. Identifiers: Orphanet 227535, MedGen C0346153, MONDO:0016419, OMIM 114480. Disease mechanism: loss of function.

Submission:

Labcorp Genetics (formerly Invitae), Labcorp
Classification: Uncertain significance for Familial cancer of breast. Last evaluated: 2020-06-06. Review status: criteria provided, single submitter. Criteria: Invitae Variant Classification Sherloc (09022015). Collection method: clinical testing. Allele origin: germline.
Comment: In summary, the available evidence is currently insufficient to determine the role of this variant in disease. Therefore, it has been classified as a Variant of Uncertain Significance. Algorithms developed to predict the effect of missense changes on protein structure and function (SIFT, PolyPhen-2, Align-GVGD) all suggest that this variant is likely to be tolerated, but these predictions have not been confirmed by published functional studies and their clinical significance is uncertain. This variant has not been reported in the literature in individuals with CHEK2-related conditions. This variant is not present in population databases (ExAC no frequency). This sequence change replaces alanine with proline at codon 257 of the CHEK2 protein (p.Ala257Pro). The alanine residue is moderately conserved and there is a small physicochemical difference between alanine and proline.